The following is an entry in ClinVar:

NM_006245.4(PPP2R5D):c.322+4C>A

Gene: PPP2R5D (protein phosphatase 2 regulatory subunit B'delta; plus strand). Cytogenetic location: 6p21.1.
Variant type: single nucleotide variant.
Coding change: c.322+4C>A on transcript NM_006245.4 (MANE Select); 4 bases into the intron after coding-DNA position 322, C replaced by A.
Molecular consequence: intron variant.
Genome position (GRCh38, 1-based): chr6:43,006,683, C>A. VCF-style: chr6-43006683-C-A. GRCh37 (hg19) VCF-style: chr6-42974421-C-A.
Other names: c.-132+4C>A (NM_001270476.2); c.249+77C>A (NM_180976.3); c.28-251C>A (NM_180977.3).
Identifiers: ClinVar variation 1401205 (VCV001401205.13), dbSNP rs1031636348, ClinGen allele CA138249440.

ClinVar aggregate classification (germline): Conflicting classifications of pathogenicity. Review status: criteria provided, conflicting classifications (1 of 4 stars). 2 submissions from 2 submitters: Uncertain significance (1); Likely benign (1). Last evaluated 2025-03-01.

Allele frequency attached by ClinVar (database versions not stated): gnomAD exomes below 0.00001.

Submissions (2):

CeGaT Center for Human Genetics Tuebingen
Classification: Likely benign. Last evaluated: 2025-03-01. Review status: criteria provided, single submitter. Criteria: CeGaT Center For Human Genetics Tuebingen Variant Classification Criteria Version 2. Collection method: clinical testing. Allele origin: germline. Affected: yes. Observed: 1 variant allele.
Comment: PPP2R5D: BP4, BP5

Labcorp Genetics (formerly Invitae), Labcorp
Classification: Uncertain significance. Last evaluated: 2024-07-05. Review status: criteria provided, single submitter. Criteria: Invitae Variant Classification Sherloc (09022015). Collection method: clinical testing. Allele origin: germline.
Comment: This sequence change falls in intron 3 of the PPP2R5D gene. It does not directly change the encoded amino acid sequence of the PPP2R5D protein. It affects a nucleotide within the consensus splice site. This variant is not present in population databases (gnomAD no frequency). This variant has not been reported in the literature in individuals affected with PPP2R5D-related conditions. ClinVar contains an entry for this variant (Variation ID: 1401205). Variants that disrupt the consensus splice site are a relatively common cause of aberrant splicing (PMID: 17576681, 9536098). Algorithms developed to predict the effect of sequence changes on RNA splicing suggest that this variant is not likely to affect RNA splicing. In summary, the available evidence is currently insufficient to determine the role of this variant in disease. Therefore, it has been classified as a Variant of Uncertain Significance.

Literature cited by the submitters: PubMed 17576681 (cited by Labcorp Genetics (formerly Invitae), Labcorp); PubMed 9536098 (cited by Labcorp Genetics (formerly Invitae), Labcorp).